The following is an entry in ClinVar:

ClinVar aggregate classification (germline): Uncertain significance (1 of 4 stars; one submission).

Conditions:
Inborn genetic diseases. Identifiers: MedGen C0950123, MeSH D030342.

gnomAD v4.1: 1 of 1,598,452 alleles (0.000063%); highest among the groups gnomAD compares: African/African-American, 0.0013%; no homozygotes.

Submission:

Ambry Genetics
Classification: Uncertain significance for Inborn genetic diseases. Last evaluated: 2025-06-11. Review status: criteria provided, single submitter. Criteria: Ambry Variant Classification Scheme 2023. Collection method: clinical testing. Allele origin: germline.
Comment: The p.R38H variant (also known as c.113G>A), located in coding exon 3 of the RUNX1 gene, results from a G to A substitution at nucleotide position 113. The arginine at codon 38 is replaced by histidine, an amino acid with highly similar properties. This amino acid position is highly conserved in available vertebrate species. In addition, this alteration is predicted to be deleterious by in silico analysis. Based on the available evidence, the clinical significance of this variant remains unclear.

NM_001754.5(RUNX1):c.113G>A (p.Arg38His)

Gene: RUNX1 (RUNX family transcription factor 1; minus strand). Cytogenetic location: 21q22.12.
Variant type: single nucleotide variant.
Coding change: c.113G>A on transcript NM_001754.5 (MANE Select); coding-DNA position 113, G replaced by A.
Protein change: p.Arg38His; replaces arginine 38 with histidine.
Molecular consequence: missense variant.
Genome position (GRCh38, 1-based): chr21:34,887,081, C>T on the plus strand (G>A on the coding strand, the complement: RUNX1 is on the minus strand). VCF-style: chr21-34887081-C-T. GRCh37 (hg19) VCF-style: chr21-36259378-C-T.
Other names: c.32G>A, p.Arg11His (NM_001001890.3, NM_001122607.2); short protein forms R11H, R38H.
Identifiers: ClinVar variation 3948894 (VCV003948894.1).